The following is an entry in ClinVar:

NM_004329.3(BMPR1A):c.1260C>A (p.Asn420Lys)

Gene: BMPR1A (bone morphogenetic protein receptor type 1A; plus strand). Cytogenetic location: 10q23.2.
Variant type: single nucleotide variant.
Coding change: c.1260C>A on transcript NM_004329.3 (MANE Select); coding-DNA position 1260, C replaced by A.
Protein change: p.Asn420Lys; replaces asparagine 420 with lysine.
Molecular consequence: missense variant.
Genome position (GRCh38, 1-based): chr10:86,921,613, C>A. VCF-style: chr10-86921613-C-A. GRCh37 (hg19) VCF-style: chr10-88681370-C-A.
Other names: short protein forms N420K.
Identifiers: ClinVar variation 234017 (VCV000234017.16), dbSNP rs876660798, ClinGen allele CA10578894.

ClinVar aggregate classification (germline): Uncertain significance. Review status: criteria provided, multiple submitters, no conflicts (2 of 4 stars). 2 submissions from 2 submitters: Uncertain significance (2). Last evaluated 2025-01-07.

Conditions:
Hereditary cancer-predisposing syndrome. Also called: Tumor predisposition; Hereditary Cancer Syndrome; Hereditary neoplastic syndrome; Neoplastic Syndromes, Hereditary. Identifiers: Orphanet 140162, MedGen C0027672, MeSH D009386, MONDO:0015356.
Juvenile polyposis syndrome (JPS). Identifiers: Orphanet 2929, MedGen C0345893, MONDO:0017380, OMIM 174900.

Submissions (2):

Ambry Genetics
Classification: Uncertain significance for Hereditary cancer-predisposing syndrome. Last evaluated: 2025-01-07. Review status: criteria provided, single submitter. Criteria: Ambry Variant Classification Scheme 2023. Collection method: clinical testing. Allele origin: germline.
Comment: The p.N420K variant (also known as c.1260C>A), located in coding exon 9 of the BMPR1A gene, results from a C to A substitution at nucleotide position 1260. The asparagine at codon 420 is replaced by lysine, an amino acid with similar properties. This amino acid position is well conserved in available vertebrate species. In addition, this alteration is predicted to be tolerated by in silico analysis. Based on the available evidence, the clinical significance of this variant remains unclear.

Labcorp Genetics (formerly Invitae), Labcorp
Classification: Uncertain significance for Juvenile polyposis syndrome. Last evaluated: 2024-04-18. Review status: criteria provided, single submitter. Criteria: Invitae Variant Classification Sherloc (09022015). Collection method: clinical testing. Allele origin: germline.
Comment: This sequence change replaces asparagine, which is neutral and polar, with lysine, which is basic and polar, at codon 420 of the BMPR1A protein (p.Asn420Lys). This variant is not present in population databases (gnomAD no frequency). This variant has not been reported in the literature in individuals affected with BMPR1A-related conditions. ClinVar contains an entry for this variant (Variation ID: 234017). Advanced modeling of protein sequence and biophysical properties (such as structural, functional, and spatial information, amino acid conservation, physicochemical variation, residue mobility, and thermodynamic stability) performed at Invitae indicates that this missense variant is not expected to disrupt BMPR1A protein function with a negative predictive value of 80%. In summary, the available evidence is currently insufficient to determine the role of this variant in disease. Therefore, it has been classified as a Variant of Uncertain Significance.